The following is an entry in ClinVar:

NM_006766.5(KAT6A):c.3182T>G (p.Leu1061Ter)

Gene: KAT6A (lysine acetyltransferase 6A; minus strand). Cytogenetic location: 8p11.21.
Variant type: single nucleotide variant.
Coding change: c.3182T>G on transcript NM_006766.5 (MANE Select); coding-DNA position 3182, T replaced by G.
Protein change: p.Leu1061Ter; replaces leucine 1061 with a stop codon.
Molecular consequence: nonsense.
Genome position (GRCh38, 1-based): chr8:41,937,426, A>C on the plus strand (T>G on the coding strand, the complement: KAT6A is on the minus strand). VCF-style: chr8-41937426-A-C. GRCh37 (hg19) VCF-style: chr8-41794944-A-C.
Other names: short protein forms L1061*.
Identifiers: ClinVar variation 280659 (VCV000280659.2), dbSNP rs886041825, ClinGen allele CA10603059.

ClinVar aggregate classification (germline): Pathogenic (1 of 4 stars; one submission).

Submission:

GeneDx
Classification: Pathogenic. Last evaluated: 2016-06-21. Review status: criteria provided, single submitter. Criteria: GeneDx Variant Classification (06012015). Collection method: clinical testing. Allele origin: germline. Affected: yes.
Comment: The L1061X pathogenic variant in the KAT6A gene has not been reported previously as a pathogenic variant nor as a benign variant, to our knowledge. This variant is predicted to cause loss of normal protein function either through protein truncation or nonsense-mediated mRNA decay. The L1061X variant was not observed in approximately 6,500 individuals of European and African American ancestry in the NHLBI Exome Sequencing Project, indicating it is not a common benign variant in these populations. We interpret L1061X as a pathogenic variant.